The following is an entry in ClinVar:

NM_003070.5(SMARCA2):c.448C>A (p.Pro150Thr)

Gene: SMARCA2 (SWI/SNF related BAF chromatin remodeling complex subunit ATPase 2; plus strand). Cytogenetic location: 9p24.3.
Variant type: single nucleotide variant.
Coding change: c.448C>A on transcript NM_003070.5 (MANE Select); coding-DNA position 448, C replaced by A.
Protein change: p.Pro150Thr; replaces proline 150 with threonine.
Molecular consequence: missense variant.
Genome position (GRCh38, 1-based): chr9:2,039,558, C>A. VCF-style: chr9-2039558-C-A. GRCh37 (hg19) VCF-style: chr9-2039558-C-A.
Other names: c.448C>A, p.Pro150Thr (NM_001289396.2, NM_001289397.2, NM_139045.4); short protein forms P150T.
Identifiers: ClinVar variation 4538739 (VCV004538739.1).
Genomic context (GRCh38, chr9:2,039,558, plus strand): 5'-GCCCCAGAGCACGTCTCCAGCCCTATGTCTGGAGGAGGCCCAACTCCACCTCAGATGCCA[C>A]CAAGCCAGCCGGGGGCCCTCATCCCAGGTGATCCGCAGGCCATGAGCCAGCCCAACAGAG-3'
Protein context (NP_003061.3, residues 140-160): GGGPTPPQMP[Pro150Thr]SQPGALIPGD

ClinVar aggregate classification (germline): Uncertain significance (1 of 4 stars; one submission).

Submission:

GeneDx
Classification: Uncertain significance. Last evaluated: 2025-06-14. Review status: criteria provided, single submitter. Criteria: GeneDx Variant Classification Process June 2021. Collection method: clinical testing. Allele origin: germline. Affected: yes.
Comment: In silico analysis suggests that this missense variant does not alter protein structure/function; Has not been previously published as pathogenic or benign to our knowledge